The following is an entry in ClinVar:

ClinVar aggregate classification (germline): Pathogenic. Review status: criteria provided, single submitter (1 of 4 stars). 2 submissions from 2 submitters: Pathogenic (1). 1 of the submissions does not count toward it. Last evaluated 2023-06-02.

Conditions:
Aspartylglucosaminuria (AGU). Also called: AGA DEFICIENCY; Aspartylglucos-aminuria; Aspartylglucos-amidase (AGA) deficiency; GLYCOASPARAGINASE; GLYCOSYLASPARAGINASE DEFICIENCY. Identifiers: Orphanet 93, MedGen C0268225, MONDO:0008830, OMIM 208400, HP:0012068.

Allele frequency attached by ClinVar (database versions not stated): gnomAD exomes below 0.00001 and 0.00001; TOPMed below 0.00001; ExAC 0.00002.

Submissions (2):

Labcorp Genetics (formerly Invitae), Labcorp
Classification: Pathogenic for Aspartylglucosaminuria. Last evaluated: 2023-06-02. Review status: criteria provided, single submitter. Criteria: Invitae Variant Classification Sherloc (09022015). Collection method: clinical testing. Allele origin: germline.
Comment: For these reasons, this variant has been classified as Pathogenic. ClinVar contains an entry for this variant (Variation ID: 552792). This variant has not been reported in the literature in individuals affected with AGA-related conditions. This variant is present in population databases (rs764598121, gnomAD 0.003%). This sequence change creates a premature translational stop signal (p.Leu29Argfs*19) in the AGA gene. It is expected to result in an absent or disrupted protein product. Loss-of-function variants in AGA are known to be pathogenic (PMID: 7627186, 11309371).

Counsyl
Classification: Likely pathogenic for Aspartylglucosaminuria. Last evaluated: 2017-07-06. Review status: no assertion criteria provided. Collection method: clinical testing. Allele origin: unknown. Not counted in ClinVar's aggregate classification.

Literature cited by the submitters: PubMed 7627186 (cited by Labcorp Genetics (formerly Invitae), Labcorp); PubMed 11309371 (cited by Labcorp Genetics (formerly Invitae), Labcorp).

NM_000027.4(AGA):c.86del (p.Leu29fs)

Gene: AGA (aspartylglucosaminidase; minus strand). Cytogenetic location: 4q34.3.
Variant type: Deletion.
Coding change: c.86del on transcript NM_000027.4 (MANE Select); coding-DNA position 86, one base deleted (T; older notation c.86delT).
Protein change: p.Leu29fs; shifts the reading frame from leucine 29.
Molecular consequence: frameshift variant. On other transcripts: non-coding transcript variant (1).
Genome position (GRCh38, 1-based): chr4:177,442,290, A deleted on the plus strand (T on the coding strand, the reverse complement: AGA is on the minus strand). VCF-style (leftmost placement, unchanged base first): chr4-177442289-CA-C. GRCh37 (hg19) VCF-style: chr4-178363443-CA-C.
Other names: c.86del, p.Leu29fs (NM_001171988.2); short protein forms L29fs.
Identifiers: ClinVar variation 552792 (VCV000552792.5), dbSNP rs764598121, ClinGen allele CA3147054.